The following is an entry in ClinVar:

NM_019892.6(INPP5E):c.768C>T (p.Ser256=)

Gene: INPP5E (inositol polyphosphate-5-phosphatase E; minus strand). Cytogenetic location: 9q34.3.
Variant type: single nucleotide variant.
Coding change: c.768C>T on transcript NM_019892.6 (MANE Select); coding-DNA position 768, C replaced by T.
Protein change: p.Ser256=; no amino-acid change (serine 256 retained).
Molecular consequence: synonymous variant.
Genome position (GRCh38, 1-based): chr9:136,438,652, G>A on the plus strand (C>T on the coding strand, the complement: INPP5E is on the minus strand). VCF-style: chr9-136438652-G-A. GRCh37 (hg19) VCF-style: chr9-139333104-G-A.
Other names: c.768C>T, p.Ser256= (NM_001318502.2).
Identifiers: ClinVar variation 3353987 (VCV003353987.3).

ClinVar aggregate classification (germline): Likely benign. Review status: criteria provided, single submitter (1 of 4 stars). 2 submissions from 2 submitters: Likely benign (1). 1 of the submissions does not count toward it. Last evaluated 2026-01-19.

Conditions:
Joubert syndrome. Also called: JOUBERT-BOLTSHAUSER SYNDROME; CEREBELLOPARENCHYMAL DISORDER IV; Familial aplasia of the vermis. Identifiers: Orphanet 475, MedGen C5979921, MONDO:0018772.
INPP5E-related disorder. Also called: INPP5E-related condition.

gnomAD v4.1: 4 of 1,583,042 alleles (0.00025%); highest among the groups gnomAD compares: East Asian, 0.0023%; no homozygotes.

Submissions (2):

Labcorp Genetics (formerly Invitae), Labcorp
Classification: Likely benign for Joubert syndrome. Last evaluated: 2026-01-19. Review status: criteria provided, single submitter. Criteria: Invitae Variant Classification Sherloc (09022015). Collection method: clinical testing. Allele origin: germline.

PreventionGenetics, part of Exact Sciences
Classification: Likely benign for INPP5E-related condition. Last evaluated: 2022-04-29. Review status: no assertion criteria provided. Collection method: clinical testing. Allele origin: germline. Not counted in ClinVar's aggregate classification.
Comment: This variant is classified as likely benign based on ACMG/AMP sequence variant interpretation guidelines (Richards et al. 2015 PMID: 25741868, with internal and published modifications).